The following is an entry in ClinVar:

NM_024675.4(PALB2):c.1491T>A (p.Asn497Lys)

Gene: PALB2 (partner and localizer of BRCA2; minus strand). Cytogenetic location: 16p12.2.
Variant type: single nucleotide variant.
Coding change: c.1491T>A on transcript NM_024675.4 (MANE Select); coding-DNA position 1491, T replaced by A.
Protein change: p.Asn497Lys; replaces asparagine 497 with lysine.
Molecular consequence: missense variant.
Genome position (GRCh38, 1-based): chr16:23,635,055, A>T on the plus strand (T>A on the coding strand, the complement: PALB2 is on the minus strand). VCF-style: chr16-23635055-A-T. GRCh37 (hg19) VCF-style: chr16-23646376-A-T.
Other names: short protein forms N497K.
Identifiers: ClinVar variation 1416310 (VCV001416310.7), dbSNP rs374707677, ClinGen allele CA395131093.

ClinVar aggregate classification (germline): Uncertain significance (1 of 4 stars; one submission).

Conditions:
Familial cancer of breast. Also called: BREAST CANCER, FAMILIAL; Hereditary breast cancer; hereditary breast carcinoma. Identifiers: Orphanet 227535, MedGen C0346153, MONDO:0016419, OMIM 114480. Disease mechanism: loss of function.

Submission:

Labcorp Genetics (formerly Invitae), Labcorp
Classification: Uncertain significance for Familial cancer of breast. Last evaluated: 2021-10-24. Review status: criteria provided, single submitter. Criteria: Invitae Variant Classification Sherloc (09022015). Collection method: clinical testing. Allele origin: germline.
Comment: In summary, the available evidence is currently insufficient to determine the role of this variant in disease. Therefore, it has been classified as a Variant of Uncertain Significance. Algorithms developed to predict the effect of missense changes on protein structure and function (SIFT, PolyPhen-2, Align-GVGD) all suggest that this variant is likely to be tolerated. This missense change has been observed in individual(s) with pancreatic cancer (PMID: 28767289). This variant is not present in population databases (ExAC no frequency). This sequence change replaces asparagine with lysine at codon 497 of the PALB2 protein (p.Asn497Lys). The asparagine residue is weakly conserved and there is a moderate physicochemical difference between asparagine and lysine.

Literature cited by the submitters: PubMed 28767289.